The following is an entry in ClinVar:

NM_001323289.2(CDKL5):c.71A>G (p.Tyr24Cys)

Gene: CDKL5 (cyclin dependent kinase like 5; plus strand). Cytogenetic location: Xp22.13.
Variant type: single nucleotide variant.
Coding change: c.71A>G on transcript NM_001323289.2 (MANE Select); coding-DNA position 71, A replaced by G.
Protein change: p.Tyr24Cys; replaces tyrosine 24 with cysteine.
Molecular consequence: missense variant.
Genome position (GRCh38, 1-based): chrX:18,510,826, A>G. VCF-style: chrX-18510826-A-G. GRCh37 (hg19) VCF-style: chrX-18528946-A-G.
Other names: NM_001323289.2(CDKL5):c.71A>G; p.Tyr24Cys; c.71A>G, p.Tyr24Cys (NM_001037343.2, NM_003159.3); short protein forms Y24C.
Identifiers: ClinVar variation 976005 (VCV000976005.6), dbSNP rs1922801133, ClinGen allele CA412489792.

ClinVar aggregate classification (germline): Pathogenic. Review status: reviewed by expert panel (3 of 4 stars). 6 submissions from 6 submitters: Pathogenic (1). 5 of the submissions do not count toward it. Last evaluated 2026-08-24.

Conditions:
Developmental and epileptic encephalopathy, 2 (DEE2). Also called: INFANTILE SPASM SYNDROME, X-LINKED 2; CDKL5 deficiency disorder. Identifiers: Orphanet 1934, Orphanet 3451, Orphanet 505652, MedGen C4750718, MONDO:0010396, OMIM 300672.
Angelman syndrome-like. Identifiers: MedGen CN128785.
CDKL5 disorder. Identifiers: MedGen CN296942, MONDO:0100039.

Submissions (6):

ClinGen Rett and Angelman-like Disorders Variant Curation Expert Panel
Classification: Pathogenic for CDKL5 disorder. Last evaluated: 2026-08-24. Review status: reviewed by expert panel. Criteria: ClinGen RettAS ACMG Specifications CDKL5 V6.0. Collection method: curation. Allele origin: germline. Inheritance: X-linked inheritance.
Comment: The p.Tyr24Cys variant in CDKL5 has been reported as a de novo occurrence (biological parentage both confirmed and unconfirmed) in 2 individuals with clinical features of CDKL5 disorder (internal database - GeneDx; internal database - Variantyx) (PS2). The p.Tyr24Cys variant has been observed in at least 3 additional individuals with clinical features of CDKL5 disorder (PMID 29264392; internal database - Labcorp (formerly Invitae); internal database - 3billion) (PS4). The p.Tyr24Cys variant occurs in the well-characterized ATP binding region functional domain of the CDKL5 gene (PM1). The p.Tyr24Cys variant in CDKL5 is absent from gnomAD v4.1 (PM2_Supporting). Computational prediction analysis tools suggests a deleterious impact; however, this information does not predict clinical significance on its own (PP3). In summary, the p.Tyr24Cys variant in CDKL5 is classified as Pathogenic for CDKL5 disorder based on the ACMG/AMP criteria (PS2, PS4, PM1, PM2_Supporting, PP3). (CDKL5 Specifications v6.0; curation approved on 8/24/2026)

Variantyx, Inc.
Classification: Likely pathogenic for Developmental and epileptic encephalopathy, 2. Last evaluated: 2025-08-25. Review status: criteria provided, single submitter. Criteria: Variantyx Assertion Criteria 2022. Collection method: clinical testing. Allele origin: maternal. Inheritance: X-linked dominant inheritance. Not counted in ClinVar's aggregate classification.
Comment: This is a nonsynonymous variant in the CDKL5 gene (OMIM: 300203). Pathogenic variants in this gene have been associated with X-linked developmental and epileptic encephalopathy 2. This variant lies within a known hotspot for pathogenic variants or a well-established critical functional domain of the CDKL5 protein (PMID: 29264392) (PM1), and multiple computational algorithms predict a deleterious effect for this variant (REVEL score: 0.741) (PP3). This variant has been reported in at least 2 affected individuals (PMID: 29264392, 31313283) (PS4) and is absent from control populations (PM2). Based on the current evidence, this variant is classified as likely pathogenic for X-linked developmental and epileptic encephalopathy 2.

3billion
Classification: Likely pathogenic for Developmental and epileptic encephalopathy, 2. Last evaluated: 2025-07-28. Review status: criteria provided, single submitter. Criteria: ACMG Guidelines, 2015. Collection method: clinical testing. Allele origin: germline. Affected: yes. Not counted in ClinVar's aggregate classification.
Comment: The variant is not observed in the gnomAD v4.1.0 dataset. Predicted Consequence/Location: The variant is located in a mutational hot spot and/or well-established functional domain in which established pathogenic variants have been reported (PMID: 34837432). In silico tool predictions suggest damaging effect of the variant on gene or gene product [REVEL: 0.74 (>=0.6, sensitivity 0.68 and specificity 0.92); 3Cnet: 0.99 (> 0.75, sensitivity 0.96 and precision 0.92)]. The same nucleotide change resulting in the same amino acid change has been previously reported to be associated with CDKL5-related disorder (ClinVar ID: VCV000976005 /PMID: 29264392). Therefore, this variant is classified as Likely pathogenic according to the recommendation of ACMG/AMP guideline.

Labcorp Genetics (formerly Invitae), Labcorp
Classification: Uncertain significance for Developmental and epileptic encephalopathy, 2; Angelman syndrome-like. Last evaluated: 2024-05-13. Review status: criteria provided, single submitter. Criteria: Invitae Variant Classification Sherloc (09022015). Collection method: clinical testing. Allele origin: germline. Not counted in ClinVar's aggregate classification.
Comment: This sequence change replaces tyrosine, which is neutral and polar, with cysteine, which is neutral and slightly polar, at codon 24 of the CDKL5 protein (p.Tyr24Cys). This variant is not present in population databases (gnomAD no frequency). This missense change has been observed in individual(s) with clinical features of CDKL5-related conditions (PMID: 29264392, 29655203, 31313283). ClinVar contains an entry for this variant (Variation ID: 976005). Advanced modeling of protein sequence and biophysical properties (such as structural, functional, and spatial information, amino acid conservation, physicochemical variation, residue mobility, and thermodynamic stability) performed at Invitae indicates that this missense variant is expected to disrupt CDKL5 protein function with a positive predictive value of 95%. In summary, the available evidence is currently insufficient to determine the role of this variant in disease. Therefore, it has been classified as a Variant of Uncertain Significance.

Laboratoire de Génétique Moléculaire, CHU Bordeaux
Classification: Pathogenic for Developmental and epileptic encephalopathy, 2. Last evaluated: 2023-06-30. Review status: criteria provided, single submitter. Criteria: ACMG Guidelines, 2015. Collection method: clinical testing. Allele origin: germline. Affected: yes. Not counted in ClinVar's aggregate classification.

Institute of Human Genetics, University of Leipzig Medical Center
Classification: Likely pathogenic for Developmental and epileptic encephalopathy, 2. Last evaluated: 2020-01-13. Review status: criteria provided, single submitter. Criteria: ACMG Guidelines, 2015. Collection method: clinical testing. Allele origin: germline. Affected: yes. Observed: 1 variant allele. Not counted in ClinVar's aggregate classification.
Comment: This variant was identified as de novo (maternity and paternity confirmed).

Literature cited by the submitters: PubMed 29264392 (cited by 3 submitters); PubMed 31313283 (cited by Variantyx, Inc. and Labcorp Genetics (formerly Invitae), Labcorp); PubMed 29655203 (cited by Variantyx, Inc. and Labcorp Genetics (formerly Invitae), Labcorp).